The following is an entry in ClinVar:

NM_001286577.2(C2CD3):c.982C>T (p.Arg328Cys)

Gene: C2CD3 (C2 domain containing 3 centriole elongation regulator; minus strand). Cytogenetic location: 11q13.4.
Variant type: single nucleotide variant.
Coding change: c.982C>T on transcript NM_001286577.2 (MANE Select); coding-DNA position 982, C replaced by T.
Protein change: p.Arg328Cys; replaces arginine 328 with cysteine.
Molecular consequence: missense variant.
Genome position (GRCh38, 1-based): chr11:74,133,531, G>A on the plus strand (C>T on the coding strand, the complement: C2CD3 is on the minus strand). VCF-style: chr11-74133531-G-A. GRCh37 (hg19) VCF-style: chr11-73844576-G-A.
Other names: c.982C>T, p.Arg328Cys (NM_015531.6); c.982C>T (NM_015531.4); short protein forms R328C.
Identifiers: ClinVar variation 1945724 (VCV001945724.4), dbSNP rs769847567, ClinGen allele CA6183085.

ClinVar aggregate classification (germline): Uncertain significance. Review status: criteria provided, multiple submitters, no conflicts (2 of 4 stars). 3 submissions from 3 submitters: Uncertain significance (3). Last evaluated 2026-02-17.

Conditions:
Inborn genetic diseases. Identifiers: MedGen C0950123, MeSH D030342.

gnomAD v4.1: 19 of 1,613,762 alleles (0.0012%); highest among the groups gnomAD compares: East Asian, 0.0022%; no homozygotes.

Submissions (3):

Women's Health and Genetics/Laboratory Corporation of America, LabCorp
Classification: Uncertain significance. Last evaluated: 2026-02-17. Review status: criteria provided, single submitter. Criteria: LabCorp Variant Classification Summary - May 2015. Collection method: clinical testing. Allele origin: germline.
Comment: Variant summary: C2CD3 c.982C>T (p.Arg328Cys) results in a non-conservative amino acid change in the encoded protein sequence. Algorithms developed to predict the effect of missense changes on protein structure and function are either unavailable or do not agree on the potential impact of this missense change. The variant allele was found at a frequency of 4e-06 in 251292 control chromosomes. The available data on variant occurrences in the general population are insufficient to allow any conclusion about variant significance. To our knowledge, no occurrence of c.982C>T in individuals affected with C2CD3-related conditions and no experimental evidence demonstrating its impact on protein function have been reported. ClinVar contains an entry for this variant (Variation ID: 1945724). Based on the evidence outlined above, the variant was classified as uncertain significance.

Ambry Genetics
Classification: Uncertain significance for Inborn genetic diseases. Last evaluated: 2025-10-18. Review status: criteria provided, single submitter. Criteria: Ambry Variant Classification Scheme 2023. Collection method: clinical testing. Allele origin: germline.

Labcorp Genetics (formerly Invitae), Labcorp
Classification: Uncertain significance. Last evaluated: 2022-08-11. Review status: criteria provided, single submitter. Criteria: Invitae Variant Classification Sherloc (09022015). Collection method: clinical testing. Allele origin: germline.
Comment: This sequence change replaces arginine, which is basic and polar, with cysteine, which is neutral and slightly polar, at codon 328 of the C2CD3 protein (p.Arg328Cys). This variant is present in population databases (rs769847567, gnomAD 0.0009%). This variant has not been reported in the literature in individuals affected with C2CD3-related conditions. Algorithms developed to predict the effect of missense changes on protein structure and function are either unavailable or do not agree on the potential impact of this missense change (SIFT: "Deleterious"; PolyPhen-2: "Probably Damaging"; Align-GVGD: "Class C0"). In summary, the available evidence is currently insufficient to determine the role of this variant in disease. Therefore, it has been classified as a Variant of Uncertain Significance.